The following is an entry in ClinVar:

ClinVar aggregate classification (germline): Uncertain significance (1 of 4 stars; one submission).

Allele frequency attached by ClinVar (database versions not stated): gnomAD exomes below 0.00001.

Submission:

CeGaT Center for Human Genetics Tuebingen
Classification: Uncertain significance. Last evaluated: 2022-03-01. Review status: criteria provided, single submitter. Criteria: CeGaT Center For Human Genetics Tuebingen Variant Classification Criteria Version 2. Collection method: clinical testing. Allele origin: germline. Affected: yes. Observed: 1 variant allele.
Comment: HYOU1: PM2, BP4

NM_006389.5(HYOU1):c.1777G>A (p.Ala593Thr)

Gene: HYOU1 (hypoxia up-regulated 1; minus strand). Cytogenetic location: 11q23.3.
Variant type: single nucleotide variant.
Coding change: c.1777G>A on transcript NM_006389.5 (MANE Select); coding-DNA position 1777, G replaced by A.
Protein change: p.Ala593Thr; replaces alanine 593 with threonine.
Molecular consequence: missense variant.
Genome position (GRCh38, 1-based): chr11:119,049,585, C>T on the plus strand (G>A on the coding strand, the complement: HYOU1 is on the minus strand). VCF-style: chr11-119049585-C-T. GRCh37 (hg19) VCF-style: chr11-118920297-C-T.
Other names: c.1777G>A, p.Ala593Thr (NM_001130991.3, NM_001411041.1); short protein forms A593T.
Identifiers: ClinVar variation 2642451 (VCV002642451.22), dbSNP rs1338482159, ClinGen allele CA382932811.